The following is an entry in ClinVar:

ClinVar aggregate classification (germline): Uncertain significance (1 of 4 stars; one submission).

Allele frequency attached by ClinVar (database versions not stated): TOPMed below 0.00001; ExAC 0.00001; gnomAD exomes 0.00001.
gnomAD v4.1: 3 of 1,614,088 alleles (0.00019%); highest among the groups gnomAD compares: Admixed American, 0.0033%; no homozygotes.

Submission:

Labcorp Genetics (formerly Invitae), Labcorp
Classification: Uncertain significance. Last evaluated: 2023-05-29. Review status: criteria provided, single submitter. Criteria: Invitae Variant Classification Sherloc (09022015). Collection method: clinical testing. Allele origin: germline.
Comment: In summary, the available evidence is currently insufficient to determine the role of this variant in disease. Therefore, it has been classified as a Variant of Uncertain Significance. Advanced modeling of protein sequence and biophysical properties (such as structural, functional, and spatial information, amino acid conservation, physicochemical variation, residue mobility, and thermodynamic stability) performed at Invitae indicates that this missense variant is not expected to disrupt MMP9 protein function. This variant has not been reported in the literature in individuals affected with MMP9-related conditions. This variant is present in population databases (rs765092423, gnomAD 0.003%). This sequence change replaces valine, which is neutral and non-polar, with alanine, which is neutral and non-polar, at codon 218 of the MMP9 protein (p.Val218Ala).

NM_004994.3(MMP9):c.653T>C (p.Val218Ala)

Gene: MMP9 (matrix metallopeptidase 9; plus strand). Cytogenetic location: 20q13.12.
Variant type: single nucleotide variant.
Coding change: c.653T>C on transcript NM_004994.3 (MANE Select); coding-DNA position 653, T replaced by C.
Protein change: p.Val218Ala; replaces valine 218 with alanine.
Molecular consequence: missense variant.
Genome position (GRCh38, 1-based): chr20:46,011,146, T>C. VCF-style: chr20-46011146-T-C. GRCh37 (hg19) VCF-style: chr20-44639785-T-C.
Other names: short protein forms V218A.
Identifiers: ClinVar variation 2719950 (VCV002719950.3), dbSNP rs765092423, ClinGen allele CA9886480.